The following is an entry in ClinVar:

NM_003151.4(STAT4):c.1639T>C (p.Ser547Pro)

Gene: STAT4 (signal transducer and activator of transcription 4; minus strand). Cytogenetic location: 2q32.2.
Variant type: single nucleotide variant.
Coding change: c.1639T>C on transcript NM_003151.4 (MANE Select); coding-DNA position 1639, T replaced by C.
Protein change: p.Ser547Pro; replaces serine 547 with proline.
Molecular consequence: missense variant.
Genome position (GRCh38, 1-based): chr2:191,033,987, A>G on the plus strand (T>C on the coding strand, the complement: STAT4 is on the minus strand). VCF-style: chr2-191033987-A-G. GRCh37 (hg19) VCF-style: chr2-191898713-A-G.
Other names: c.1639T>C, p.Ser547Pro (NM_001243835.2); c.1639T>C (NM_003151.3); short protein forms S547P.
Identifiers: ClinVar variation 1983804 (VCV001983804.5), dbSNP rs998455229, ClinGen allele CA62674453.

ClinVar aggregate classification (germline): Uncertain significance. Review status: criteria provided, multiple submitters, no conflicts (2 of 4 stars). 2 submissions from 2 submitters: Uncertain significance (2). Last evaluated 2025-01-24.

Allele frequency attached by ClinVar (database versions not stated): gnomAD exomes 0.00001; TOPMed 0.00003.
gnomAD v4.1: 9 of 1,609,688 alleles (0.00056%); highest among the groups gnomAD compares: Admixed American, 0.015%; no homozygotes.

Submissions (2):

Ambry Genetics
Classification: Uncertain significance. Last evaluated: 2025-01-24. Review status: criteria provided, single submitter. Criteria: Ambry Variant Classification Scheme 2023. Collection method: clinical testing. Allele origin: germline.

Labcorp Genetics (formerly Invitae), Labcorp
Classification: Uncertain significance. Last evaluated: 2024-08-05. Review status: criteria provided, single submitter. Criteria: Invitae Variant Classification Sherloc (09022015). Collection method: clinical testing. Allele origin: germline.
Comment: This sequence change replaces serine, which is neutral and polar, with proline, which is neutral and non-polar, at codon 547 of the STAT4 protein (p.Ser547Pro). This variant is present in population databases (no rsID available, gnomAD 0.02%). This variant has not been reported in the literature in individuals affected with STAT4-related conditions. ClinVar contains an entry for this variant (Variation ID: 1983804). Advanced modeling of protein sequence and biophysical properties (such as structural, functional, and spatial information, amino acid conservation, physicochemical variation, residue mobility, and thermodynamic stability) performed at Invitae indicates that this missense variant is not expected to disrupt STAT4 protein function with a negative predictive value of 80%. In summary, the available evidence is currently insufficient to determine the role of this variant in disease. Therefore, it has been classified as a Variant of Uncertain Significance.